The following is an entry in ClinVar:

NM_003190.5(TAPBP):c.14C>T (p.Ser5Phe)

Gene: TAPBP (TAP binding protein; minus strand). Cytogenetic location: 6p21.32.
Variant type: single nucleotide variant.
Coding change: c.14C>T on transcript NM_003190.5 (MANE Select); coding-DNA position 14, C replaced by T.
Protein change: p.Ser5Phe; replaces serine 5 with phenylalanine.
Molecular consequence: missense variant.
Genome position (GRCh38, 1-based): chr6:33,314,028, G>A on the plus strand (C>T on the coding strand, the complement: TAPBP is on the minus strand). VCF-style: chr6-33314028-G-A. GRCh37 (hg19) VCF-style: chr6-33281805-G-A.
Other names: c.14C>T, p.Ser5Phe (NM_001410875.1, NM_172208.3, NM_172209.3); short protein forms S5F.
Identifiers: ClinVar variation 2013247 (VCV002013247.4), dbSNP rs2536786349, ClinGen allele CA363624014.
Genomic context (GRCh38, chr6:33,314,028, plus strand): 5'-TCTAGTTCTTGGGCGATGAGTCGCGGGGTTCGCTCACCCAAAGCCACAGCGAGGAGCAGA[G>A]ACAGGGACTTCATGGCGCTGCGACCTCCTCAGCCATGAAGCCTCCTCTTCCTCCTTTCAC-3'
Protein context (NP_003181.3, residues 1-15): MKSL[Ser5Phe]LLLAVALGLA

ClinVar aggregate classification (germline): Uncertain significance (1 of 4 stars; one submission).

Conditions:
MHC class I deficiency. Identifiers: Orphanet 34592, MedGen C6024714, MONDO:0011476.

Submission:

Labcorp Genetics (formerly Invitae), Labcorp
Classification: Uncertain significance for MHC class I deficiency 1. Last evaluated: 2024-01-24. Review status: criteria provided, single submitter. Criteria: Invitae Variant Classification Sherloc (09022015). Collection method: clinical testing. Allele origin: germline.
Comment: This sequence change replaces serine, which is neutral and polar, with phenylalanine, which is neutral and non-polar, at codon 5 of the TAPBP protein (p.Ser5Phe). This variant is not present in population databases (gnomAD no frequency). This variant has not been reported in the literature in individuals affected with TAPBP-related conditions. ClinVar contains an entry for this variant (Variation ID: 2013247). Experimental studies and prediction algorithms are not available or were not evaluated, and the functional significance of this variant is currently unknown. In summary, the available evidence is currently insufficient to determine the role of this variant in disease. Therefore, it has been classified as a Variant of Uncertain Significance.